The following is an entry in ClinVar:

NM_004086.3(COCH):c.1567T>C (p.Phe523Leu)

Genes: COCH (cochlin; plus strand), COCH-AS1 (COCH antisense RNA 1; minus strand). Cytogenetic location: 14q12.
Variant type: single nucleotide variant.
Coding change: c.1567T>C on transcript NM_004086.3 (MANE Select); coding-DNA position 1567, T replaced by C.
Protein change: p.Phe523Leu; replaces phenylalanine 523 with leucine.
Molecular consequence: missense variant. On other transcripts: non-coding transcript variant (1).
Genome position (GRCh38, 1-based): chr14:30,889,705, T>C. VCF-style: chr14-30889705-T-C. GRCh37 (hg19) VCF-style: chr14-31358911-T-C.
Other names: c.1567T>C (NM_004086.2); c.1567T>C, p.Phe523Leu (NM_001135058.2); c.1762T>C, p.Phe588Leu (NM_001347720.2); short protein forms F523L, F588L.
Identifiers: ClinVar variation 3674066 (VCV003674066.3).

ClinVar aggregate classification (germline): Uncertain significance. Review status: criteria provided, multiple submitters, no conflicts (2 of 4 stars). 2 submissions from 2 submitters: Uncertain significance (2). Last evaluated 2025-10-24.

Conditions:
Inborn genetic diseases. Identifiers: MedGen C0950123, MeSH D030342.

gnomAD v4.1: 3 of 1,613,958 alleles (0.00019%); highest among the groups gnomAD compares: African/African-American, 0.0027%; no homozygotes.

Submissions (2):

Ambry Genetics
Classification: Uncertain significance for Inborn genetic diseases. Last evaluated: 2025-10-24. Review status: criteria provided, single submitter. Criteria: Ambry Variant Classification Scheme 2023. Collection method: clinical testing. Allele origin: germline.

Labcorp Genetics (formerly Invitae), Labcorp
Classification: Uncertain significance. Last evaluated: 2024-02-18. Review status: criteria provided, single submitter. Criteria: Invitae Variant Classification Sherloc (09022015). Collection method: clinical testing. Allele origin: germline.
Comment: This sequence change replaces phenylalanine, which is neutral and non-polar, with leucine, which is neutral and non-polar, at codon 523 of the COCH protein (p.Phe523Leu). This variant is present in population databases (no rsID available, gnomAD 0.007%). This variant has not been reported in the literature in individuals affected with COCH-related conditions. Advanced modeling of protein sequence and biophysical properties (such as structural, functional, and spatial information, amino acid conservation, physicochemical variation, residue mobility, and thermodynamic stability) performed at Invitae indicates that this missense variant is expected to disrupt COCH protein function with a positive predictive value of 80%. In summary, the available evidence is currently insufficient to determine the role of this variant in disease. Therefore, it has been classified as a Variant of Uncertain Significance.